The following is an entry in ClinVar:

NM_000128.4(F11):c.1354del (p.Ser452fs)

Gene: F11 (coagulation factor XI; plus strand). Cytogenetic location: 4q35.2.
Variant type: Deletion.
Coding change: c.1354del on transcript NM_000128.4 (MANE Select); coding-DNA position 1354, one base deleted (T; older notation c.1354delT).
Protein change: p.Ser452fs; shifts the reading frame from serine 452.
Molecular consequence: frameshift variant.
Genome position (GRCh38, 1-based): chr4:186,285,687, T deleted. VCF-style (leftmost placement, unchanged base first): chr4-186285686-AT-A. GRCh37 (hg19) VCF-style: chr4-187206840-AT-A.
Other names: c.1306del, p.Ser436fs (NM_001440590.1, NM_001440596.1); c.1354del, p.Ser452fs (NM_001440593.1); c.1084del, p.Ser362fs (NM_001440605.1, NM_001440607.1); c.1036del, p.Ser346fs (NM_001440606.1, NM_001440608.1); short protein forms S346fs, S362fs, S436fs, S452fs.
Identifiers: ClinVar variation 5014488 (VCV005014488.1).

ClinVar aggregate classification (germline): Pathogenic (1 of 4 stars; one submission).

Conditions:
Hereditary factor XI deficiency disease. Also called: PLASMA THROMBOPLASTIN ANTECEDENT DEFICIENCY; PTA DEFICIENCY; ROSENTHAL SYNDROME; Congenital factor XI deficiency. Identifiers: Orphanet 329, MedGen C0015523, MeSH D005173, MONDO:0012897, OMIM 612416.

Submission:

Myriad Genetics, Inc.
Classification: Pathogenic for Hereditary factor XI deficiency disease. Last evaluated: 2024-05-14. Review status: criteria provided, single submitter. Criteria: Myriad Autosomal Dominant, Autosomal Recessive and X-Linked Classification Criteria (2023). Collection method: clinical testing. Allele origin: unknown.
Comment: NM_000128.3(F11):c.1354delT(S452Lfs*3) is expected to be pathogenic in the context of factor XI deficiency. This variant is predicted to lead to an abnormal or absent protein product due to the creation of a premature termination codon in F11, a gene where loss-of-function variants are known to be pathogenic. Please note: this variant was assessed in the context of healthy population screening.